The following is an entry in ClinVar:

ClinVar aggregate classification (germline): Uncertain significance (1 of 4 stars; one submission).

Conditions:
ADCY3-related disorder. Also called: ADCY3-related condition.

Submission:

PreventionGenetics, part of Exact Sciences
Classification: Uncertain significance for ADCY3-related condition. Last evaluated: 2025-02-20. Review status: criteria provided, single submitter. Criteria: ACMG Guidelines, 2015. Collection method: clinical testing. Allele origin: germline.
Comment: The ADCY3 c.3332_3333delGG variant is predicted to result in a frameshift and premature protein termination (p.Gly1111Glufs*14). To our knowledge, this variant has not been reported in the literature or in a large population database, indicating this variant is rare. This variant resides in the final exon of this gene, and it is unclear if the resulting mRNA would undergo nonsense-mediated decay. Frameshift variants in the last exon of ADCY3 have been identified in association with autosomal recessive severe obesity and have been associated with decreased catalytic activity in functional assays (Saeed et al. 2018. PubMed ID: 29311637). Although we suspect that this variant may be pathogenic, at this time, the clinical significance of this variant is uncertain due to the absence of conclusive functional and genetic evidence.

NM_004036.5(ADCY3):c.3329_3330del (p.Gly1110fs)

Genes: ADCY3 (adenylate cyclase 3; minus strand), CENPO (centromere protein O; plus strand). Cytogenetic location: 2p23.3.
Variant type: Deletion.
Coding change: c.3329_3330del on transcript NM_004036.5 (MANE Select); coding-DNA positions 3329 to 3330, 2 bases deleted (GG; older notation c.3329_3330delGG).
Protein change: p.Gly1110fs; shifts the reading frame from glycine 1110.
Molecular consequence: frameshift variant. On other transcripts: 3 prime UTR variant (4), non-coding transcript variant (3).
Genome position (GRCh38, 1-based): chr2:24,820,037-24,820,038, CC deleted on the plus strand (GG on the coding strand, the reverse complement: ADCY3 is on the minus strand); deleting any 2 consecutive bases within chr2:24,820,037-24,820,040 gives the same sequence; the c. name uses the placement nearest the transcript's 3' end. VCF-style (leftmost placement, unchanged base first): chr2-24820036-TCC-T. GRCh37 (hg19) VCF-style: chr2-25042905-TCC-T.
Other names: c.3332_3333del, p.Gly1111fs (NM_001320613.2); c.3395_3396del, p.Gly1132fs (NM_001377128.1); c.3191_3192del, p.Gly1064fs (NM_001377129.1); c.*70_*71del (NM_001377130.1); c.2606_2607del, p.Gly869fs (NM_001377131.1); c.3329_3330del, p.Gly1110fs (NM_001377132.1); c.*721_*722del (NM_001199803.3, NM_001322101.2, NM_024322.4); short protein forms G1064fs, G1110fs, G1111fs, G1132fs, G869fs.
Identifiers: ClinVar variation 3347337 (VCV003347337.2).
Genomic context (GRCh38, chr2:24,820,036, plus strand): 5'-CATTGGGGAAGGTGGCTAGCTTATCCCGCCCCTTCAAGAAGAAGGTCAGCAGCTCCCCCT[TCC>T]CCTTCACAAAGATGGGGCCTCGCCTCACAAAGCGGAAGCCGTACTCTCGGAGGATGACTT-3'